The following is an entry in ClinVar:

NM_001127898.4(CLCN5):c.320C>T (p.Thr107Ile)

Gene: CLCN5 (chloride voltage-gated channel 5; plus strand). Cytogenetic location: Xp11.23.
Variant type: single nucleotide variant.
Coding change: c.320C>T on transcript NM_001127898.4 (MANE Select); coding-DNA position 320, C replaced by T.
Protein change: p.Thr107Ile; replaces threonine 107 with isoleucine.
Molecular consequence: missense variant. On other transcripts: non-coding transcript variant (1).
Genome position (GRCh38, 1-based): chrX:50,072,493, C>T. VCF-style: chrX-50072493-C-T. GRCh37 (hg19) VCF-style: chrX-49837148-C-T.
Other names: c.110C>T, p.Thr37Ile (NM_000084.5); c.320C>T, p.Thr107Ile (NM_001127899.4); c.170C>T, p.Thr57Ile (NM_001282163.2); c.332C>T, p.Thr111Ile (NM_001440756.1, NM_001440757.1); short protein forms T111I, T37I, T57I, T107I.
Identifiers: ClinVar variation 4734109 (VCV004734109.1).
Genomic context (GRCh38, chrX:50,072,493, plus strand): 5'-TTAAGTGAAAAAATGGTGTGTGTAGAGTGTACCAATGTTTTCTCATTTTCCCCTAGATTA[C>T]CAATAAAAGCAAAGAGTCAACATGGGCCTTAATTCACAGTGTGAGTGATGCTTTTTCCGG-3'
Protein context (NP_001121370.1, residues 97-117): SRDRDRHREI[Thr107Ile]NKSKESTWAL

ClinVar aggregate classification (germline): Uncertain significance (1 of 4 stars; one submission).

Submission:

Labcorp Genetics (formerly Invitae), Labcorp
Classification: Uncertain significance. Last evaluated: 2025-12-24. Review status: criteria provided, single submitter. Criteria: Invitae Variant Classification Sherloc (09022015). Collection method: clinical testing. Allele origin: germline.
Comment: This sequence change replaces threonine, which is neutral and polar, with isoleucine, which is neutral and non-polar, at codon 37 of the CLCN5 protein (p.Thr37Ile). This variant is not present in population databases (gnomAD no frequency). This variant has not been reported in the literature in individuals affected with CLCN5-related conditions. An algorithm developed to predict the effect of missense changes on protein structure and function (PolyPhen-2) suggests that this variant is likely to be tolerated. In summary, the available evidence is currently insufficient to determine the role of this variant in disease. Therefore, it has been classified as a Variant of Uncertain Significance.